The following is an entry in ClinVar:

ClinVar aggregate classification (germline): Uncertain significance (1 of 4 stars; one submission).

Conditions:
Familial cancer of breast. Also called: Hereditary breast cancer; hereditary breast carcinoma; BREAST CANCER, FAMILIAL. Identifiers: Orphanet 227535, MedGen C0346153, MONDO:0016419, OMIM 114480. Disease mechanism: loss of function.

Submission:

Labcorp Genetics (formerly Invitae), Labcorp
Classification: Uncertain significance for Familial cancer of breast. Last evaluated: 2020-10-08. Review status: criteria provided, single submitter. Criteria: Invitae Variant Classification Sherloc (09022015). Collection method: clinical testing. Allele origin: germline.
Comment: In summary, the available evidence is currently insufficient to determine the role of this variant in disease. Therefore, it has been classified as a Variant of Uncertain Significance. Algorithms developed to predict the effect of missense changes on protein structure and function output the following: SIFT: "Deleterious"; PolyPhen-2: "Benign"; Align-GVGD: "Class C0". The aspartic acid amino acid residue is found in multiple mammalian species, suggesting that this missense change does not adversely affect protein function. These predictions have not been confirmed by published functional studies and their clinical significance is uncertain. This variant has not been reported in the literature in individuals with PALB2-related conditions. This variant is not present in population databases (ExAC no frequency). This sequence change replaces glutamic acid with aspartic acid at codon 400 of the PALB2 protein (p.Glu400Asp). The glutamic acid residue is highly conserved and there is a small physicochemical difference between glutamic acid and aspartic acid.

NM_024675.4(PALB2):c.1200A>T (p.Glu400Asp)

Gene: PALB2 (partner and localizer of BRCA2; minus strand). Cytogenetic location: 16p12.2.
Variant type: single nucleotide variant.
Coding change: c.1200A>T on transcript NM_024675.4 (MANE Select); coding-DNA position 1200, A replaced by T.
Protein change: p.Glu400Asp; replaces glutamic acid 400 with aspartic acid.
Molecular consequence: missense variant.
Genome position (GRCh38, 1-based): chr16:23,635,346, T>A on the plus strand (A>T on the coding strand, the complement: PALB2 is on the minus strand). VCF-style: chr16-23635346-T-A. GRCh37 (hg19) VCF-style: chr16-23646667-T-A.
Other names: short protein forms E400D.
Identifiers: ClinVar variation 1004053 (VCV001004053.9), dbSNP rs1966985747, ClinGen allele CA395133230.
Genomic context (GRCh38, chr16:23,635,346, plus strand): 5'-CTGGCAATTGGACATGCTTCGTGTTGTTCTAACATAATATTCTGCAGGAAACAGAAGGCC[T>A]TCAGGCACTGTGCAAGAATGTTTTTCTGCAGAAAGAGGAGAGGTTGCTTCCAGGCTAAGA-3'
Protein context (NP_078951.2, residues 390-410): SAEKHSCTVP[Glu400Asp]GLLFPAEYYV